The following is an entry in ClinVar:

NM_000540.3(RYR1):c.2786+1G>A

Gene: RYR1 (ryanodine receptor 1; plus strand). Cytogenetic location: 19q13.2.
Variant type: single nucleotide variant.
Coding change: c.2786+1G>A on transcript NM_000540.3 (MANE Select); the canonical splice donor site of the intron after coding-DNA position 2786, G replaced by A.
Molecular consequence: splice donor variant.
Genome position (GRCh38, 1-based): chr19:38,463,851, G>A. VCF-style: chr19-38463851-G-A. GRCh37 (hg19) VCF-style: chr19-38954491-G-A.
Other names: c.2786+1G>A (NM_001042723.2).
Identifiers: ClinVar variation 3075060 (VCV003075060.1), dbSNP rs2514077987, ClinGen allele CA405632847.
Genomic context (GRCh38, chr19:38,463,851, plus strand): 5'-CCACAGCCTTCCAGAGCCTGAGAGGAACTACAACCTGCAGATGTCTGGGGAGACGCTCAA[G>A]TGAGGGCCCAGGGGAGCCGGGGGTTGGGGCTGGCTGCTGGTGCGGTGGGGGAGGGAGGCA-3'

ClinVar aggregate classification (germline): Uncertain significance (1 of 4 stars; one submission).

Conditions:
Malignant hyperthermia, susceptibility to, 1 (MHS1). Also called: Anesthesia related hyperthermia; Malignant hyperpyrexia; Fulminating hyperpyrexia; Pharmacogenic myopathy; RYR1-Related Malignant Hyperthermia Susceptibility; Malignant hyperthermia suceptibility 1. Identifiers: Orphanet 423, MedGen C2930980, MONDO:0007783, OMIM 145600.

Submission:

All of Us Research Program, National Institutes of Health
Classification: Uncertain significance for Malignant hyperthermia, susceptibility to, 1. Last evaluated: 2023-12-18. Review status: criteria provided, single submitter. Criteria: ACMG Guidelines, 2015. Collection method: clinical testing. Allele origin: germline. Inheritance: Autosomal dominant inheritance. Observed: 1 variant allele, 1 heterozygote.
Comment: This variant causes a G to T nucleotide substitution at the +1 position of intron 22 of the RYR1 gene. Splice site prediction tools predict that this variant may have a significant impact on RNA splicing. To our knowledge, functional studies have not been reported for this variant. This variant has not been reported in individuals affected with RYR1-related disorders in the literature. This variant has not been identified in the general population by the Genome Aggregation Database (gnomAD). Loss of RYR1 function due to truncation variants is not an established disease mechanism for autosomal dominant malignant hyperthermia, although it is associated with other phenotype(s). Due to insufficient evidence, this variant is classified as a Variant of Uncertain Significance for autosomal dominant malignant hyperthermia.

This study involves interpretation of variants in research participants for the purpose of population health screening. Participant phenotype was not available at the time of variant classification. Additional details can be found in publication PMID: 35346344, PMCID: PMC8962531